The following is an entry in ClinVar:

NM_004533.4(MYBPC2):c.573-5G>A

Gene: MYBPC2 (myosin binding protein C2; plus strand). Cytogenetic location: 19q13.33.
Variant type: single nucleotide variant.
Coding change: c.573-5G>A on transcript NM_004533.4 (MANE Select); 5 bases into the intron before coding-DNA position 573, G replaced by A.
Molecular consequence: intron variant.
Genome position (GRCh38, 1-based): chr19:50,440,875, G>A. VCF-style: chr19-50440875-G-A. GRCh37 (hg19) VCF-style: chr19-50944132-G-A.
Identifiers: ClinVar variation 2650332 (VCV002650332.24), dbSNP rs556445274, ClinGen allele CA9597416.

ClinVar aggregate classification (germline): Likely benign (1 of 4 stars; one submission).

Allele frequency attached by ClinVar (database versions not stated): ExAC 0.00005; gnomAD 0.00005; TOPMed 0.00013; 1000 Genomes Project 30x 0.00016; 1000 Genomes Project 0.00020.
gnomAD v4.1: 164 of 1,610,310 alleles (0.01%); highest among the groups gnomAD compares: Middle Eastern, 0.033%; no homozygotes.

Submission:

CeGaT Center for Human Genetics Tuebingen
Classification: Likely benign. Last evaluated: 2023-01-01. Review status: criteria provided, single submitter. Criteria: CeGaT Center For Human Genetics Tuebingen Variant Classification Criteria Version 2. Collection method: clinical testing. Allele origin: germline. Affected: yes. Observed: 1 variant allele.
Comment: MYBPC2: BP4